The following is an entry in ClinVar:

ClinVar aggregate classification (germline): Likely pathogenic. Review status: criteria provided, single submitter (1 of 4 stars). 2 submissions from 2 submitters: Likely pathogenic (1). 1 of the submissions does not count toward it. Last evaluated 2024-03-17.

Conditions:
Deficiency of alpha-mannosidase (MANSA). Also called: LYSOSOMAL ALPHA-D-MANNOSIDASE DEFICIENCY; Mannosidosis, alpha-, types I and II; Alpha-Mannosidosis. Identifiers: Orphanet 61, MedGen C0024748, MONDO:0009561, OMIM 248500.

Submissions (2):

Labcorp Genetics (formerly Invitae), Labcorp
Classification: Likely pathogenic for Deficiency of alpha-mannosidase. Last evaluated: 2024-03-17. Review status: criteria provided, single submitter. Criteria: Invitae Variant Classification Sherloc (09022015). Collection method: clinical testing. Allele origin: germline.
Comment: This sequence change replaces histidine, which is basic and polar, with leucine, which is neutral and non-polar, at codon 200 of the MAN2B1 protein (p.His200Leu). This variant is not present in population databases (gnomAD no frequency). This missense change has been observed in individual(s) with alpha mannosidosis (PMID: 15712269, 22161967, 26048034). It has also been observed to segregate with disease in related individuals. ClinVar contains an entry for this variant (Variation ID: 208256). Advanced modeling of protein sequence and biophysical properties (such as structural, functional, and spatial information, amino acid conservation, physicochemical variation, residue mobility, and thermodynamic stability) has been performed at Invitae for this missense variant, however the output from this modeling did not meet the statistical confidence thresholds required to predict the impact of this variant on MAN2B1 protein function. Experimental studies have shown that this missense change affects MAN2B1 function (PMID: 15712269). This variant disrupts the p.His200 amino acid residue in MAN2B1. Other variant(s) that disrupt this residue have been determined to be pathogenic (PMID: 16919251, 21505070, 22161967, 26048034). This suggests that this residue is clinically significant, and that variants that disrupt this residue are likely to be disease-causing. In summary, the currently available evidence indicates that the variant is pathogenic, but additional data are needed to prove that conclusively. Therefore, this variant has been classified as Likely Pathogenic.

ClinVar Staff, National Center for Biotechnology Information (NCBI)
Classification: Uncertain significance for Deficiency of alpha-mannosidase. Last evaluated: 2012-06-07. Review status: no assertion criteria provided. Collection method: literature only. Allele origin: germline. Affected: yes. Not counted in ClinVar's aggregate classification.

Literature cited by the submitters: PubMed 15712269 (cited by Labcorp Genetics (formerly Invitae), Labcorp and ClinVar Staff, National Center for Biotechnology Information (NCBI)); PubMed 22161967 (cited by Labcorp Genetics (formerly Invitae), Labcorp and ClinVar Staff, National Center for Biotechnology Information (NCBI)); PubMed 26048034 (cited by Labcorp Genetics (formerly Invitae), Labcorp); PubMed 16919251 (cited by Labcorp Genetics (formerly Invitae), Labcorp); PubMed 21505070 (cited by Labcorp Genetics (formerly Invitae), Labcorp).

NM_000528.4(MAN2B1):c.599A>T (p.His200Leu)

Gene: MAN2B1 (mannosidase alpha class 2B member 1; minus strand). Cytogenetic location: 19p13.13.
Variant type: single nucleotide variant.
Coding change: c.599A>T on transcript NM_000528.4 (MANE Select); coding-DNA position 599, A replaced by T.
Protein change: p.His200Leu; replaces histidine 200 with leucine.
Molecular consequence: missense variant.
Genome position (GRCh38, 1-based): chr19:12,664,823, T>A on the plus strand (A>T on the coding strand, the complement: MAN2B1 is on the minus strand). VCF-style: chr19-12664823-T-A. GRCh37 (hg19) VCF-style: chr19-12775637-T-A.
Other names: c.599A>T, p.His200Leu (NM_001173498.2); short protein forms H200L.
Identifiers: ClinVar variation 208256 (VCV000208256.3), dbSNP rs864621978, ClinGen allele CA350978.
Genomic context (GRCh38, chr19:12,664,823, plus strand): 5'-GTGGGCCCAAGAGAGGTCCCGGGTCGCACCTGCGCAAACAGCGAGGCCTGCTCCCGAGAG[T>A]GGCCGAAGGGGTCAATGTGCCAGGCCACACGGGGTCGCCCATCATTGCCAAATGTGTCCT-3'
Protein context (NP_000519.2, residues 190-210): RVAWHIDPFG[His200Leu]SREQASLFAQ